The following is an entry in ClinVar:

NM_001378454.1(ALMS1):c.3297_3314delinsCCTTTGTGAGTAGACCTTGCAGACCTTG (p.Gln1099_Ile1105delinsHisLeuCysGluTer)

Gene: ALMS1 (ALMS1 centrosome and basal body associated protein; plus strand). Cytogenetic location: 2p13.1.
Variant type: Indel.
Coding change: c.3297_3314delinsCCTTTGTGAGTAGACCTTGCAGACCTTG on transcript NM_001378454.1 (MANE Select); coding-DNA positions 3297 to 3314, AAGAGAGAAGCCTGGTAT replaced by CCTTTGTGAGTAGACCTTGCAGACCTTG.
Protein change: p.Gln1099_Ile1105delinsHisLeuCysGluTer.
Molecular consequence: nonsense.
Genome position (GRCh38, 1-based): chr2:73,449,824-73,449,841, AAGAGAGAAGCCTGGTAT replaced by CCTTTGTGAGTAGACCTTGCAGACCTTG. GRCh37 (hg19): chr2:73,676,951-73,676,968.
Other names: c.3300_3317delinsCCTTTGTGAGTAGACCTTGCAGACCTTG, p.Gln1100_Ile1106delinsHisLeuCysGluTer (NM_015120.4).
Identifiers: ClinVar variation 2637048 (VCV002637048.1), dbSNP rs2466097572, ClinGen allele CA2695200829.
Genomic context (GRCh38, chr2:73,449,824, plus strand): 5'-CCCTGGACCAGCTGACCAGATGACTGACACACCAGCAGTACCGTCTACTTTCTACTCACA[AAGAGAGAAGCCTGGTAT>CCTTTGTGAGTAGACCTTGCAGACCTTG]TTTCTACCAACAGACCTTGCCAGAGAGTCATCTGCCTAAAGAGGCTCTGAAAATTTCAGT-3'

ClinVar aggregate classification (germline): Likely pathogenic (1 of 4 stars; one submission).

Conditions:
ALMS1-related disorder. Also called: ALMS1-related condition.

Submission:

PreventionGenetics, part of Exact Sciences
Classification: Likely pathogenic for ALMS1-related condition. Last evaluated: 2022-09-22. Review status: criteria provided, single submitter. Criteria: ACMG Guidelines, 2015. Collection method: clinical testing. Allele origin: germline.
Comment: The ALMS1 c.3300_3317delinsCCTTTGTGAGTAGACCTTGCAGACCTTG variant is predicted to result in a frameshift and premature protein termination (p.Glu1100Aspfs*5). To our knowledge, this variant has not been reported in the literature or in a large population database, indicating this variant is rare. Frameshift variants in ALMS1 are expected to be pathogenic. This variant is interpreted as likely pathogenic.